The following is an entry in ClinVar:

NM_007194.4(CHEK2):c.568G>T (p.Ala190Ser)

Gene: CHEK2 (checkpoint kinase 2; minus strand). Cytogenetic location: 22q12.1.
Variant type: single nucleotide variant.
Coding change: c.568G>T on transcript NM_007194.4 (MANE Select); coding-DNA position 568, G replaced by T.
Protein change: p.Ala190Ser; replaces alanine 190 with serine.
Molecular consequence: missense variant. On other transcripts: 5 prime UTR variant (2), intron variant (1).
Genome position (GRCh38, 1-based): chr22:28,725,001, C>A on the plus strand (G>T on the coding strand, the complement: CHEK2 is on the minus strand). VCF-style: chr22-28725001-C-A. GRCh37 (hg19) VCF-style: chr22-29120989-C-A.
Other names: c.697G>T, p.Ala233Ser (NM_001005735.3, NM_001438294.1); c.-210G>T (NM_001257387.3); c.-96G>T (NM_001437942.1); c.661G>T, p.Ala221Ser (NM_001438293.1, NM_001438295.1); c.568G>T, p.Ala190Ser (NM_145862.3); c.445-78G>T (NM_001349956.3); short protein forms A233S, A190S, A221S.
Identifiers: ClinVar variation 3266971 (VCV003266971.1).

ClinVar aggregate classification (germline): Uncertain significance (1 of 4 stars; one submission).

Conditions:
Hereditary cancer-predisposing syndrome. Also called: Hereditary Cancer Syndrome; Tumor predisposition; Hereditary neoplastic syndrome; Neoplastic Syndromes, Hereditary. Identifiers: Orphanet 140162, MedGen C0027672, MeSH D009386, MONDO:0015356.

Submission:

Ambry Genetics
Classification: Uncertain significance for Hereditary cancer-predisposing syndrome. Last evaluated: 2024-06-08. Review status: criteria provided, single submitter. Criteria: Ambry Variant Classification Scheme 2023. Collection method: clinical testing. Allele origin: germline.
Comment: The p.A190S variant (also known as c.568G>T), located in coding exon 3 of the CHEK2 gene, results from a G to T substitution at nucleotide position 568. The alanine at codon 190 is replaced by serine, an amino acid with similar properties. This amino acid position is conserved. In addition, the in silico prediction for this alteration is inconclusive. Based on the available evidence, the clinical significance of this variant remains unclear.